The following is an entry in ClinVar:

ClinVar aggregate classification (germline): Uncertain significance (1 of 4 stars; one submission).

Allele frequency attached by ClinVar (database versions not stated): ExAC 0.00001; ESP Exome Variant Server 0.00008.

Submission:

Labcorp Genetics (formerly Invitae), Labcorp
Classification: Uncertain significance. Last evaluated: 2022-06-10. Review status: criteria provided, single submitter. Criteria: Invitae Variant Classification Sherloc (09022015). Collection method: clinical testing. Allele origin: germline.
Comment: This sequence change replaces alanine, which is neutral and non-polar, with glycine, which is neutral and non-polar, at codon 768 of the ERCC3 protein (p.Ala768Gly). This variant is present in population databases (rs372094432, gnomAD 0.007%). This variant has not been reported in the literature in individuals affected with ERCC3-related conditions. Algorithms developed to predict the effect of missense changes on protein structure and function (SIFT, PolyPhen-2, Align-GVGD) all suggest that this variant is likely to be tolerated. In summary, the available evidence is currently insufficient to determine the role of this variant in disease. Therefore, it has been classified as a Variant of Uncertain Significance.

NM_000122.2(ERCC3):c.2303C>G (p.Ala768Gly)

Gene: ERCC3 (ERCC excision repair 3, TFIIH core complex helicase subunit; minus strand). Cytogenetic location: 2q14.3.
Variant type: single nucleotide variant.
Coding change: c.2303C>G on transcript NM_000122.2 (MANE Select); coding-DNA position 2303, C replaced by G.
Protein change: p.Ala768Gly; replaces alanine 768 with glycine.
Molecular consequence: missense variant.
Genome position (GRCh38, 1-based): chr2:127,257,642, G>C on the plus strand (C>G on the coding strand, the complement: ERCC3 is on the minus strand). VCF-style: chr2-127257642-G-C. GRCh37 (hg19) VCF-style: chr2-128015218-G-C.
Other names: c.2111C>G, p.Ala704Gly (NM_001303416.2, NM_001303418.2); short protein forms A704G, A768G.
Identifiers: ClinVar variation 2192604 (VCV002192604.1), dbSNP rs372094432, ClinGen allele CA1858010.